The following is an entry in ClinVar:

NM_020975.6(RET):c.3124G>A (p.Asp1042Asn)

Gene: RET (ret proto-oncogene; plus strand). Cytogenetic location: 10q11.21.
Variant type: single nucleotide variant.
Coding change: c.3124G>A on transcript NM_020975.6 (MANE Select); coding-DNA position 3124, G replaced by A.
Protein change: p.Asp1042Asn; replaces aspartic acid 1042 with asparagine.
Molecular consequence: missense variant.
Genome position (GRCh38, 1-based): chr10:43,126,659, G>A. VCF-style: chr10-43126659-G-A. GRCh37 (hg19) VCF-style: chr10-43622107-G-A.
Other names: c.2227G>A, p.Asp743Asn (NM_001406780.1, NM_001406781.1, NM_001406782.1 and 1 more transcripts); c.2098G>A, p.Asp700Asn (NM_001406783.1, NM_001406786.1); c.2134G>A, p.Asp712Asn (NM_001406784.1); c.2107G>A, p.Asp703Asn (NM_001406785.1); c.2092G>A, p.Asp698Asn (NM_001406787.1); c.1939G>A, p.Asp647Asn (NM_001406788.1, NM_001406789.1, NM_001406790.1); c.3124G>A, p.Asp1042Asn (NM_000323.2, NM_001406743.1, NM_001406744.1 and 4 more transcripts); c.2362G>A, p.Asp788Asn (NM_001355216.2); and 10 more; short protein forms D1042N, D788N, D559N, D698N, D954N, D999N, D647N, D700N.
Identifiers: ClinVar variation 1001262 (VCV001001262.9), dbSNP rs867206631, ClinGen allele CA206267840.

ClinVar aggregate classification (germline): Uncertain significance. Review status: criteria provided, multiple submitters, no conflicts (2 of 4 stars). 4 submissions from 4 submitters: Uncertain significance (4). Last evaluated 2024-08-21.

Conditions:
Multiple endocrine neoplasia, type 2 (MEN2). Identifiers: Orphanet 653, MedGen C4048306, MONDO:0019003. Disease mechanism: gain of function.
Hereditary cancer-predisposing syndrome. Also called: Hereditary Cancer Syndrome; Hereditary neoplastic syndrome; Tumor predisposition; Neoplastic Syndromes, Hereditary. Identifiers: Orphanet 140162, MedGen C0027672, MeSH D009386, MONDO:0015356.
Multiple endocrine neoplasia type 2B. Also called: Multiple endocrine neoplasia, type 3; MEN 2B; MULTIPLE ENDOCRINE NEOPLASIA, TYPE IIB; MUCOSAL NEUROMA SYNDROME; Multiple Endocrine Neoplasia Type 2B (MEN2B); MEN IIB. Identifiers: Orphanet 247709, Orphanet 653, MedGen C0025269, MeSH D018814, MONDO:0008082, OMIM 162300.
Hirschsprung disease, susceptibility to, 1 (HSCR1). Also called: RET-Related Hirschsprung Disease. Identifiers: Orphanet 388, MedGen C3888239, MONDO:0007723, OMIM 142623.
Pheochromocytoma. Also called: MAX-Related Hereditary Paraganglioma-Pheochromocytoma Syndrome. Identifiers: Orphanet 29072, MedGen C0031511, MONDO:0008233, OMIM 171300, HP:0002666.
Multiple endocrine neoplasia type 2A. Also called: MULTIPLE ENDOCRINE NEOPLASIA, TYPE IIA; PTC SYNDROME; SIPPLE SYNDROME; MEN 2A; MEN-2A syndrome; Pheochromocytoma and amyloid producing medullary thyroid carcinoma. Identifiers: Orphanet 247698, Orphanet 653, MedGen C0025268, MeSH D018813, MONDO:0008234, OMIM 171400.
Familial medullary thyroid carcinoma (MTC). Also called: Thyroid cancer, familial medullary; MTC, familial; Familial Medullary Thyroid Carcinoma (FMTC). Identifiers: Orphanet 653, Orphanet 99361, MedGen C1833921, MONDO:0007958, OMIM 155240.

Allele frequency attached by ClinVar (database versions not stated): gnomAD 0.00001.
gnomAD v4.1: 1 of 1,613,960 alleles (0.000062%); highest among the groups gnomAD compares: East Asian, 0.0022%; no homozygotes.

Submissions (4):

Ambry Genetics
Classification: Uncertain significance for Hereditary cancer-predisposing syndrome. Last evaluated: 2024-08-21. Review status: criteria provided, single submitter. Criteria: Ambry Variant Classification Scheme 2023. Collection method: clinical testing. Allele origin: germline.
Comment: The p.D1042N variant (also known as c.3124G>A), located in coding exon 19 of the RET gene, results from a G to A substitution at nucleotide position 3124. The aspartic acid at codon 1042 is replaced by asparagine, an amino acid with highly similar properties. This amino acid position is well conserved in available vertebrate species. In addition, this alteration is predicted to be tolerated by in silico analysis. Based on the available evidence, the clinical significance of this variant remains unclear.

Baylor Genetics
Classification: Uncertain significance for Hirschsprung disease, susceptibility to, 1. Last evaluated: 2023-10-24. Review status: criteria provided, single submitter. Criteria: ACMG Guidelines, 2015. Collection method: clinical testing. Allele origin: unknown.

Labcorp Genetics (formerly Invitae), Labcorp
Classification: Uncertain significance for Multiple endocrine neoplasia, type 2. Last evaluated: 2022-09-12. Review status: criteria provided, single submitter. Criteria: Invitae Variant Classification Sherloc (09022015). Collection method: clinical testing. Allele origin: germline.
Comment: This sequence change replaces aspartic acid, which is acidic and polar, with asparagine, which is neutral and polar, at codon 1042 of the RET protein (p.Asp1042Asn). This variant is present in population databases (no rsID available, gnomAD 0.06%). This variant has not been reported in the literature in individuals affected with RET-related conditions. ClinVar contains an entry for this variant (Variation ID: 1001262). Algorithms developed to predict the effect of missense changes on protein structure and function are either unavailable or do not agree on the potential impact of this missense change (SIFT: "Deleterious"; PolyPhen-2: "Probably Damaging"; Align-GVGD: "Class C0"). Algorithms developed to predict the effect of sequence changes on RNA splicing suggest that this variant may create or strengthen a splice site. In summary, the available evidence is currently insufficient to determine the role of this variant in disease. Therefore, it has been classified as a Variant of Uncertain Significance.

Fulgent Genetics
Classification: Uncertain significance for Hirschsprung disease, susceptibility to, 1; Familial medullary thyroid carcinoma; Multiple endocrine neoplasia type 2B; Pheochromocytoma; Multiple endocrine neoplasia type 2A. Last evaluated: 2021-11-02. Review status: criteria provided, single submitter. Criteria: ACMG Guidelines, 2015. Collection method: clinical testing. Allele origin: unknown.